The following is an entry in ClinVar:

ClinVar aggregate classification (germline): Likely benign (0 of 4 stars; one submission).

Conditions:
KMO-related disorder. Also called: KMO-related condition.

Allele frequency attached by ClinVar (database versions not stated): ESP Exome Variant Server 0.00008; gnomAD exomes 0.00013; gnomAD 0.00032; ExAC 0.00041; TOPMed 0.00045; 1000 Genomes Project 0.00080; 1000 Genomes Project 30x 0.00094.
gnomAD v4.1: 245 of 1,613,280 alleles (0.015%); highest among the groups gnomAD compares: Admixed American, 0.29%; no homozygotes.

Submission:

PreventionGenetics, part of Exact Sciences
Classification: Likely benign for KMO-related condition. Last evaluated: 2022-11-09. Review status: no assertion criteria provided. Collection method: clinical testing. Allele origin: germline.
Comment: This variant is classified as likely benign based on ACMG/AMP sequence variant interpretation guidelines (Richards et al. 2015 PMID: 25741868, with internal and published modifications).

NM_003679.5(KMO):c.701C>T (p.Thr234Ile)

Gene: KMO (kynurenine 3-monooxygenase; plus strand). Cytogenetic location: 1q43.
Variant type: single nucleotide variant.
Coding change: c.701C>T on transcript NM_003679.5 (MANE Select); coding-DNA position 701, C replaced by T.
Protein change: p.Thr234Ile; replaces threonine 234 with isoleucine.
Molecular consequence: missense variant.
Genome position (GRCh38, 1-based): chr1:241,566,504, C>T. VCF-style: chr1-241566504-C-T. GRCh37 (hg19) VCF-style: chr1-241729804-C-T.
Other names: c.701C>T, p.Thr234Ile (NM_001410944.1); short protein forms T234I.
Identifiers: ClinVar variation 3033753 (VCV003033753.2), dbSNP rs200044625, ClinGen allele CA1479068.
Genomic context (GRCh38, chr1:241,566,504, plus strand): 5'-TCACTTGGCCCCCATCCCCTTTCACTCTGTTTCTCTTCTTCTCACAGAACAAATCATTCA[C>T]ATGTACTTTGTTCATGCCCTTTGAAGAGTTTGAAAAACTTCTAACCAGTAATGATGTGGT-3'
Protein context (NP_003670.2, residues 224-244): IALPNMNKSF[Thr234Ile]CTLFMPFEEF